The following is an entry in ClinVar:

NM_006736.6(DNAJB2):c.446-88C>T

Gene: DNAJB2 (DnaJ heat shock protein family (Hsp40) member B2; plus strand). Cytogenetic location: 2q35.
Variant type: single nucleotide variant.
Coding change: c.446-88C>T on transcript NM_006736.6 (MANE Select); 88 bases into the intron before coding-DNA position 446, C replaced by T.
Molecular consequence: intron variant.
Genome position (GRCh38, 1-based): chr2:219,283,045, C>T. VCF-style: chr2-219283045-C-T. GRCh37 (hg19) VCF-style: chr2-220147767-C-T.
Other names: NC_000002.11:g.220147767C>T; c.446-88C>T (NM_001039550.2).
Identifiers: ClinVar variation 675468 (VCV000675468.3), dbSNP rs3821038, ClinGen allele CA65959433.

ClinVar aggregate classification (germline): Benign. Review status: criteria provided, multiple submitters, no conflicts (2 of 4 stars). 2 submissions from 2 submitters: Benign (2). Last evaluated 2018-06-16.

Allele frequency attached by ClinVar (database versions not stated): gnomAD 0.04469 and 0.04646; TOPMed 0.04784; 1000 Genomes Project 0.05212; 1000 Genomes Project 30x 0.05309.

Submissions (8):

GeneDx
Classification: Benign. Last evaluated: 2018-06-16. Review status: criteria provided, single submitter. Criteria: GeneDx Variant Classification (06012015). Collection method: clinical testing. Allele origin: germline. Affected: yes.
Comment: This variant is considered likely benign or benign based on one or more of the following criteria: it is a conservative change, it occurs at a poorly conserved position in the protein, it is predicted to be benign by multiple in silico algorithms, and/or has population frequency not consistent with disease.

Breakthrough Genomics
Classification: Benign. Review status: criteria provided, single submitter. Criteria: ACMG Guidelines, 2015. Collection method: not provided. Allele origin: germline. Inheritance: Autosomal recessive inheritance. Affected: yes.

Dr. Peter K. Rogan Lab, Western University
No classification provided (evidence only). Condition: Acute myeloid leukemia. Review status: no classification provided. Collection method: in vitro. Allele origin: not applicable. Functional consequence: retained intron. Not counted in ClinVar's aggregate classification.

Dr. Peter K. Rogan Lab, Western University
No classification provided (evidence only). Condition: Sarcoma. Review status: no classification provided. Collection method: in vitro. Allele origin: not applicable. Functional consequence: retained intron. Not counted in ClinVar's aggregate classification.

Dr. Peter K. Rogan Lab, Western University
No classification provided (evidence only). Condition: Malignant lymphoma, large B-cell, diffuse. Review status: no classification provided. Collection method: in vitro. Allele origin: not applicable. Functional consequence: retained intron. Not counted in ClinVar's aggregate classification.

Dr. Peter K. Rogan Lab, Western University
No classification provided (evidence only). Condition: Thymoma. Review status: no classification provided. Collection method: in vitro. Allele origin: not applicable. Functional consequence: retained intron. Not counted in ClinVar's aggregate classification.

Dr. Peter K. Rogan Lab, Western University
No classification provided (evidence only). Condition: Ovarian serous cystadenocarcinoma. Review status: no classification provided. Collection method: in vitro. Allele origin: not applicable. Functional consequence: retained intron. Not counted in ClinVar's aggregate classification.

Dr. Peter K. Rogan Lab, Western University
No classification provided (evidence only). Condition: Uterine carcinosarcoma. Review status: no classification provided. Collection method: in vitro. Allele origin: not applicable. Functional consequence: retained intron. Not counted in ClinVar's aggregate classification.